The following is an entry in ClinVar:

NM_000722.4(CACNA2D1):c.2458G>A (p.Asp820Asn)

Gene: CACNA2D1 (calcium voltage-gated channel auxiliary subunit alpha2delta 1; minus strand). Cytogenetic location: 7q21.11.
Variant type: single nucleotide variant.
Coding change: c.2458G>A on transcript NM_000722.4 (MANE Select); coding-DNA position 2458, G replaced by A.
Protein change: p.Asp820Asn; replaces aspartic acid 820 with asparagine.
Molecular consequence: missense variant.
Genome position (GRCh38, 1-based): chr7:81,967,601, C>T on the plus strand (G>A on the coding strand, the complement: CACNA2D1 is on the minus strand). VCF-style: chr7-81967601-C-T. GRCh37 (hg19) VCF-style: chr7-81596917-C-T.
Other names: c.2494G>A, p.Asp832Asn (NM_001366867.1); short protein forms D820N, D832N.
Identifiers: ClinVar variation 2734956 (VCV002734956.4), dbSNP rs1374964378, ClinGen allele CA367888233.
Genomic context (GRCh38, chr7:81,967,601, plus strand): 5'-TATTGAATTTTGAAAACATTAAACATAGCATAAGAATTTTTTAAAAATATCTTACCGGAT[C>T]TCTGATTGAGGTTTTGGTGAAATTCTCTATCCAGGAATTTACATCAATTTTAATTCCAAC-3'
Protein context (NP_000713.2, residues 810-830): IENFTKTSIR[Asp820Asn]PCAGPVCDCK

ClinVar aggregate classification (germline): Uncertain significance. Review status: criteria provided, multiple submitters, no conflicts (2 of 4 stars). 2 submissions from 2 submitters: Uncertain significance (2). Last evaluated 2025-09-26.

Conditions:
Cardiovascular phenotype. Identifiers: MedGen CN230736.
Brugada syndrome. Also called: Sudden unexplained nocturnal death syndrome; Sudden unexpected nocturnal death syndrome; Sudden Unexplained Death Syndrome; Sudden Unexplained Nocturnal Death Syndrome (SUNDS). Identifiers: Orphanet 130, MedGen C1142166, MONDO:0015263.

gnomAD v4.1: 1 of 1,485,710 alleles (0.000067%); highest among the groups gnomAD compares: Admixed American, 0.0017%; no homozygotes.

Submissions (2):

Ambry Genetics
Classification: Uncertain significance for Cardiovascular phenotype. Last evaluated: 2025-09-26. Review status: criteria provided, single submitter. Criteria: Ambry Variant Classification Scheme 2023. Collection method: clinical testing. Allele origin: germline.

Labcorp Genetics (formerly Invitae), Labcorp
Classification: Uncertain significance for Brugada syndrome. Last evaluated: 2023-01-14. Review status: criteria provided, single submitter. Criteria: Invitae Variant Classification Sherloc (09022015). Collection method: clinical testing. Allele origin: germline.
Comment: Algorithms developed to predict the effect of missense changes on protein structure and function (SIFT, PolyPhen-2, Align-GVGD) all suggest that this variant is likely to be tolerated. In summary, the available evidence is currently insufficient to determine the role of this variant in disease. Therefore, it has been classified as a Variant of Uncertain Significance. This variant has not been reported in the literature in individuals affected with CACNA2D1-related conditions. The frequency data for this variant in the population databases is considered unreliable, as metrics indicate poor data quality at this position in the gnomAD database. This sequence change replaces aspartic acid, which is acidic and polar, with asparagine, which is neutral and polar, at codon 820 of the CACNA2D1 protein (p.Asp820Asn).